The following is an entry in ClinVar:

NM_006947.4(SRP72):c.301A>G (p.Ile101Val)

Gene: SRP72 (signal recognition particle 72; plus strand). Cytogenetic location: 4q12.
Variant type: single nucleotide variant.
Coding change: c.301A>G on transcript NM_006947.4 (MANE Select); coding-DNA position 301, A replaced by G.
Protein change: p.Ile101Val; replaces isoleucine 101 with valine.
Molecular consequence: missense variant. On other transcripts: non-coding transcript variant (1).
Genome position (GRCh38, 1-based): chr4:56,471,790, A>G. VCF-style: chr4-56471790-A-G. GRCh37 (hg19) VCF-style: chr4-57337956-A-G.
Other names: c.301A>G, p.Ile101Val (NM_001267722.2); short protein forms I101V.
Identifiers: ClinVar variation 3801416 (VCV003801416.1).

ClinVar aggregate classification (germline): Uncertain significance (1 of 4 stars; one submission).

gnomAD v4.1: 1 of 1,614,138 alleles (0.000062%); highest among the groups gnomAD compares: South Asian, 0.0011%; no homozygotes.

Submission:

Ambry Genetics
Classification: Uncertain significance. Last evaluated: 2024-12-23. Review status: criteria provided, single submitter. Criteria: Ambry Variant Classification Scheme 2023. Collection method: clinical testing. Allele origin: germline.
Comment: The p.I101V variant (also known as c.301A>G), located in coding exon 3 of the SRP72 gene, results from an A to G substitution at nucleotide position 301. The isoleucine at codon 101 is replaced by valine, an amino acid with highly similar properties. This amino acid position is conserved. In addition, this alteration is predicted to be tolerated by in silico analysis. Based on the available evidence, the clinical significance of this variant remains unclear.